The following is an entry in ClinVar:

ClinVar aggregate classification (germline): Uncertain significance (1 of 4 stars; one submission).

Submission:

GeneDx
Classification: Uncertain significance. Last evaluated: 2026-09-17. Review status: criteria provided, single submitter. Criteria: GeneDx Variant Classification Process June 2021. Collection method: clinical testing. Allele origin: germline.
Comment: Not observed at significant frequency in large population cohorts (gnomAD); In silico analysis suggests that this missense variant does not alter protein structure/function; Has not been previously published as pathogenic or benign to our knowledge

NM_014159.7(SETD2):c.5752G>A (p.Glu1918Lys)

Gene: SETD2 (SET domain containing 2, histone lysine methyltransferase; minus strand). Cytogenetic location: 3p21.31.
Variant type: single nucleotide variant.
Coding change: c.5752G>A on transcript NM_014159.7 (MANE Select); coding-DNA position 5752, G replaced by A.
Protein change: p.Glu1918Lys; replaces glutamic acid 1918 with lysine.
Molecular consequence: missense variant. On other transcripts: non-coding transcript variant (1).
Genome position (GRCh38, 1-based): chr3:47,084,028, C>T on the plus strand (G>A on the coding strand, the complement: SETD2 is on the minus strand). VCF-style: chr3-47084028-C-T. GRCh37 (hg19) VCF-style: chr3-47125518-C-T.
Other names: c.5620G>A, p.Glu1874Lys (NM_001349370.3); short protein forms E1874K, E1918K.
Identifiers: ClinVar variation 2661956 (VCV002661956.2), dbSNP rs2545517729, ClinGen allele CA352534195.